The following is an entry in ClinVar:

ClinVar aggregate classification (germline): Likely benign. Review status: criteria provided, multiple submitters, no conflicts (2 of 4 stars). 3 submissions from 3 submitters: Likely benign (2). 1 of the submissions does not count toward it. Last evaluated 2024-10-30.

Conditions:
ESR2-related disorder. Also called: ESR2-related condition.

Allele frequency attached by ClinVar (database versions not stated): ExAC 0.00001; gnomAD exomes 0.00001; gnomAD 0.00004 and 0.00005; TOPMed 0.00005.
gnomAD v4.1: 23 of 1,551,486 alleles (0.0015%); highest among the groups gnomAD compares: South Asian, 0.0024%; no homozygotes.

Submissions (3):

Labcorp Genetics (formerly Invitae), Labcorp
Classification: Likely benign. Last evaluated: 2024-10-30. Review status: criteria provided, single submitter. Criteria: Invitae Variant Classification Sherloc (09022015). Collection method: clinical testing. Allele origin: germline.

CeGaT Center for Human Genetics Tuebingen
Classification: Likely benign. Last evaluated: 2021-12-01. Review status: criteria provided, single submitter. Criteria: CeGaT Center For Human Genetics Tuebingen Variant Classification Criteria Version 2. Collection method: clinical testing. Allele origin: germline. Affected: yes. Observed: 1 variant allele.

PreventionGenetics, part of Exact Sciences
Classification: Likely benign for ESR2-related condition. Last evaluated: 2019-08-14. Review status: no assertion criteria provided. Collection method: clinical testing. Allele origin: germline. Not counted in ClinVar's aggregate classification.
Comment: This variant is classified as likely benign based on ACMG/AMP sequence variant interpretation guidelines (Richards et al. 2015 PMID: 25741868, with internal and published modifications).

NM_001437.3(ESR2):c.693A>G (p.Arg231=)

Gene: ESR2 (estrogen receptor 2; minus strand). Cytogenetic location: 14q23.2.
Variant type: single nucleotide variant.
Coding change: c.693A>G on transcript NM_001437.3 (MANE Select); coding-DNA position 693, A replaced by G.
Protein change: p.Arg231=; no amino-acid change (arginine 231 retained).
Molecular consequence: synonymous variant. On other transcripts: non-coding transcript variant (2).
Genome position (GRCh38, 1-based): chr14:64,260,708, T>C on the plus strand (A>G on the coding strand, the complement: ESR2 is on the minus strand). VCF-style: chr14-64260708-T-C. GRCh37 (hg19) VCF-style: chr14-64727426-T-C.
Other names: c.693A>G, p.Arg231= (NM_001040275.1, NM_001214902.1, NM_001271876.1 and 3 more transcripts); c.693A>G (NM_001437.2).
Identifiers: ClinVar variation 1335149 (VCV001335149.38), dbSNP rs767711085, ClinGen allele CA7225477.